The following is an entry in ClinVar:

NM_005120.3(MED12):c.715C>G (p.Leu239Val)

Gene: MED12 (mediator complex subunit 12; plus strand). Cytogenetic location: Xq13.1.
Variant type: single nucleotide variant.
Coding change: c.715C>G on transcript NM_005120.3 (MANE Select); coding-DNA position 715, C replaced by G.
Protein change: p.Leu239Val; replaces leucine 239 with valine.
Molecular consequence: missense variant.
Genome position (GRCh38, 1-based): chrX:71,121,132, C>G. VCF-style: chrX-71121132-C-G. GRCh37 (hg19) VCF-style: chrX-70340982-C-G.
Other names: short protein forms L239V.
Identifiers: ClinVar variation 2825681 (VCV002825681.3), dbSNP rs2519666263, ClinGen allele CA413501151.

ClinVar aggregate classification (germline): Uncertain significance (1 of 4 stars; one submission).

Conditions:
FG syndrome (FGS). Identifiers: MedGen C0220769, MONDO:0002010.

Submission:

Labcorp Genetics (formerly Invitae), Labcorp
Classification: Uncertain significance for FG syndrome. Last evaluated: 2023-11-28. Review status: criteria provided, single submitter. Criteria: Invitae Variant Classification Sherloc (09022015). Collection method: clinical testing. Allele origin: germline.
Comment: This sequence change replaces leucine, which is neutral and non-polar, with valine, which is neutral and non-polar, at codon 239 of the MED12 protein (p.Leu239Val). This variant is not present in population databases (gnomAD no frequency). This variant has not been reported in the literature in individuals affected with MED12-related conditions. Advanced modeling of protein sequence and biophysical properties (such as structural, functional, and spatial information, amino acid conservation, physicochemical variation, residue mobility, and thermodynamic stability) performed at Invitae indicates that this missense variant is expected to disrupt MED12 protein function with a positive predictive value of 95%. In summary, the available evidence is currently insufficient to determine the role of this variant in disease. Therefore, it has been classified as a Variant of Uncertain Significance.